The following is an entry in ClinVar:

ClinVar aggregate classification (germline): Uncertain significance (1 of 4 stars; one submission).

Conditions:
Androgen resistance syndrome (AIS). Also called: ANDROGEN RECEPTOR DEFICIENCY; DIHYDROTESTOSTERONE RECEPTOR DEFICIENCY; TESTICULAR FEMINIZATION SYNDROME; Androgen insensitivity syndrome due to coactivator deficiency; Androgen insensitivity syndrome; Androgen insensitivity. Identifiers: Orphanet 754, Orphanet 99429, MedGen C0039585, MONDO:0019154, OMIM 300068. Disease mechanism: loss of function.
Kennedy disease (SMAX1). Also called: SPINAL AND BULBAR MUSCULAR ATROPHY, X-LINKED 1; KENNEDY SPINAL AND BULBAR MUSCULAR ATROPHY; Spinal and Bulbar Muscular Atrophy. Identifiers: Orphanet 481, MedGen C1839259, MONDO:0010735, OMIM 313200.

Submission:

Labcorp Genetics (formerly Invitae), Labcorp
Classification: Uncertain significance for Kennedy disease; Androgen resistance syndrome. Last evaluated: 2022-07-18. Review status: criteria provided, single submitter. Criteria: Invitae Variant Classification Sherloc (09022015). Collection method: clinical testing. Allele origin: germline.
Comment: This variant has not been reported in the literature in individuals affected with AR-related conditions. In summary, the available evidence is currently insufficient to determine the role of this variant in disease. Therefore, it has been classified as a Variant of Uncertain Significance. This variant disrupts the p.Tyr572 amino acid residue in AR. Other variant(s) that disrupt this residue have been determined to be pathogenic (PMID: 9544375, 26688387, 30599484). This suggests that this residue is clinically significant, and that variants that disrupt this residue are likely to be disease-causing. Algorithms developed to predict the effect of missense changes on protein structure and function are either unavailable or do not agree on the potential impact of this missense change (SIFT: "Deleterious"; PolyPhen-2: "Probably Damaging"; Align-GVGD: "Class C0"). This variant is not present in population databases (gnomAD no frequency). This sequence change replaces tyrosine, which is neutral and polar, with aspartic acid, which is acidic and polar, at codon 572 of the AR protein (p.Tyr572Asp).

Literature cited by the submitters: PubMed 9544375; PubMed 26688387; PubMed 30599484.

NM_000044.6(AR):c.1714T>G (p.Tyr572Asp)

Gene: AR (androgen receptor; plus strand). Cytogenetic location: Xq12.
Variant type: single nucleotide variant.
Coding change: c.1714T>G on transcript NM_000044.6 (MANE Select); coding-DNA position 1714, T replaced by G.
Protein change: p.Tyr572Asp; replaces tyrosine 572 with aspartic acid.
Molecular consequence: missense variant. On other transcripts: intron variant (1).
Genome position (GRCh38, 1-based): chrX:67,643,353, T>G. VCF-style: chrX-67643353-T-G. GRCh37 (hg19) VCF-style: chrX-66863195-T-G.
Other names: c.118T>G, p.Tyr40Asp (NM_001011645.3); c.1714T>G, p.Tyr572Asp (NM_001348061.1, NM_001348063.1); c.1617-42588T>G (NM_001348064.1); short protein forms Y40D, Y572D.
Identifiers: ClinVar variation 2017730 (VCV002017730.4), dbSNP rs2519743768, ClinGen allele CA413422816.